The following is an entry in ClinVar:

ClinVar aggregate classification (germline): Uncertain significance. Review status: criteria provided, multiple submitters, no conflicts (2 of 4 stars). 2 submissions from 2 submitters: Uncertain significance (2). Last evaluated 2024-05-22.

Conditions:
Axenfeld-Rieger syndrome type 3 (RIEG3). Also called: AXENFELD-RIEGER ANOMALY WITH CARDIAC DEFECTS AND/OR SENSORINEURAL HEARING LOSS. Identifiers: Orphanet 782, MedGen C2678503, MONDO:0011233, OMIM 602482.
Anterior segment dysgenesis 3 (ASGD3). Also called: IRIDOGONIODYSGENESIS ANOMALY, AUTOSOMAL DOMINANT; Glaucoma iridogoniodysplasia, familial. Identifiers: Orphanet 91483, MedGen C5975707, MONDO:0024456, OMIM 601631.

Allele frequency attached by ClinVar (database versions not stated): gnomAD 0.00002.

Submissions (2):

Fulgent Genetics
Classification: Uncertain significance for Anterior segment dysgenesis 3; Axenfeld-Rieger syndrome type 3. Last evaluated: 2024-05-22. Review status: criteria provided, single submitter. Criteria: ACMG Guidelines, 2015. Collection method: clinical testing. Allele origin: germline.

Labcorp Genetics (formerly Invitae), Labcorp
Classification: Uncertain significance for Axenfeld-Rieger syndrome type 3. Last evaluated: 2023-12-18. Review status: criteria provided, single submitter. Criteria: Invitae Variant Classification Sherloc (09022015). Collection method: clinical testing. Allele origin: germline.
Comment: This sequence change replaces proline, which is neutral and non-polar, with leucine, which is neutral and non-polar, at codon 364 of the FOXC1 protein (p.Pro364Leu). This variant is present in population databases (rs755490120, gnomAD 0.02%). This variant has not been reported in the literature in individuals affected with FOXC1-related conditions. ClinVar contains an entry for this variant (Variation ID: 2058753). An algorithm developed to predict the effect of missense changes on protein structure and function (PolyPhen-2) suggests that this variant is likely to be tolerated. In summary, the available evidence is currently insufficient to determine the role of this variant in disease. Therefore, it has been classified as a Variant of Uncertain Significance.

NM_001453.3(FOXC1):c.1091C>T (p.Pro364Leu)

Gene: FOXC1 (forkhead box C1; plus strand). Cytogenetic location: 6p25.3.
Variant type: single nucleotide variant.
Coding change: c.1091C>T on transcript NM_001453.3 (MANE Select); coding-DNA position 1091, C replaced by T.
Protein change: p.Pro364Leu; replaces proline 364 with leucine.
Molecular consequence: missense variant.
Genome position (GRCh38, 1-based): chr6:1,611,536, C>T. VCF-style: chr6-1611536-C-T. GRCh37 (hg19) VCF-style: chr6-1611771-C-T.
Other names: short protein forms P364L.
Identifiers: ClinVar variation 2058753 (VCV002058753.5), dbSNP rs755490120, ClinGen allele CA3614865.